The following is an entry in ClinVar:

NM_017763.6(RNF43):c.1641T>C (p.His547=)

Gene: RNF43 (ring finger protein 43; minus strand). Cytogenetic location: 17q22.
Variant type: single nucleotide variant.
Coding change: c.1641T>C on transcript NM_017763.6 (MANE Select); coding-DNA position 1641, T replaced by C.
Protein change: p.His547=; no amino-acid change (histidine 547 retained).
Molecular consequence: synonymous variant.
Genome position (GRCh38, 1-based): chr17:58,358,135, A>G on the plus strand (T>C on the coding strand, the complement: RNF43 is on the minus strand). VCF-style: chr17-58358135-A-G. GRCh37 (hg19) VCF-style: chr17-56435496-A-G.
Other names: c.1641T>C, p.His547= (NM_001305544.3); c.1260T>C, p.His420= (NM_001305545.2).
Identifiers: ClinVar variation 1547080 (VCV001547080.10), dbSNP rs2143405128, ClinGen allele CA501325202.

ClinVar aggregate classification (germline): Benign/Likely benign. Review status: criteria provided, multiple submitters, no conflicts (2 of 4 stars). 3 submissions from 3 submitters: Benign (1); Likely benign (2). Last evaluated 2026-07-02.

Conditions:
Sessile serrated polyposis cancer syndrome (SSPCS). Identifiers: Orphanet 157798, MedGen C4310714, MONDO:0014919, OMIM 617108.

Submissions (3):

Myriad Genetics, Inc.
Classification: Benign for Sessile serrated polyposis cancer syndrome. Last evaluated: 2026-07-02. Review status: criteria provided, single submitter. Criteria: Myriad Autosomal Dominant, Autosomal Recessive and X-Linked Classification Criteria (2023). Collection method: clinical testing. Allele origin: unknown.
Comment: This variant is considered benign. This variant is a silent/synonymous amino acid change and it is not expected to impact splicing.

Ambry Genetics
Classification: Likely benign. Last evaluated: 2024-12-17. Review status: criteria provided, single submitter. Criteria: Ambry Variant Classification Scheme 2023. Collection method: clinical testing. Allele origin: germline.

Labcorp Genetics (formerly Invitae), Labcorp
Classification: Likely benign. Last evaluated: 2023-08-04. Review status: criteria provided, single submitter. Criteria: Invitae Variant Classification Sherloc (09022015). Collection method: clinical testing. Allele origin: germline.